The following is an entry in ClinVar:

ClinVar aggregate classification (germline): Likely pathogenic (1 of 4 stars; one submission).

Conditions:
Roussy-Lévy syndrome. Also called: Roussy Levy hereditary areflexic dystasia; Roussy-Levy disease; Hereditary areflexic dystasia; Roussy-Levy Syndrome. Identifiers: Orphanet 3115, MedGen C0205713, MONDO:0008392, OMIM 180800.

Submission:

Centre for Mendelian Genomics, University Medical Centre Ljubljana
Classification: Likely pathogenic for Roussy-Lévy syndrome. Last evaluated: 2020-03-26. Review status: criteria provided, single submitter. Criteria: ACMG Guidelines, 2015. Collection method: clinical testing. Allele origin: unknown. Affected: yes.
Comment: This variant was classified as: Likely pathogenic. The following ACMG criteria were applied in classifying this variant: PVS1,PM2.

NM_000530.8(MPZ):c.392dup (p.Asn131fs)

Gene: MPZ (myelin protein zero; minus strand). Cytogenetic location: 1q23.3.
Variant type: Duplication.
Coding change: c.392dup on transcript NM_000530.8 (MANE Select); coding-DNA position 392, one base duplicated (A; older notation c.392dupA).
Protein change: p.Asn131fs; shifts the reading frame from asparagine 131.
Molecular consequence: frameshift variant.
Genome position (GRCh38, 1-based): chr1:161,306,764, T duplicated on the plus strand (A on the coding strand, the reverse complement: MPZ is on the minus strand); the first of 5 consecutive T bases (chr1:161,306,764-161,306,768); duplicating any one gives the same sequence. VCF-style (leftmost placement, unchanged base first): chr1-161306763-G-GT. GRCh37 (hg19) VCF-style: chr1-161276553-G-GT.
Other names: c.392dup, p.Asn131fs (NM_001315491.2); short protein forms N131fs.
Identifiers: ClinVar variation 930962 (VCV000930962.3), dbSNP rs2526237995, ClinGen allele CA1139656406.